The following is an entry in ClinVar:

NM_020778.5(ALPK3):c.1204del (p.Ala402fs)

Gene: ALPK3 (alpha kinase 3; plus strand). Cytogenetic location: 15q25.3.
Variant type: Deletion.
Coding change: c.1204del on transcript NM_020778.5 (MANE Select); coding-DNA position 1204, one base deleted (G; older notation c.1204delG).
Protein change: p.Ala402fs; shifts the reading frame from alanine 402.
Molecular consequence: frameshift variant.
Genome position (GRCh38, 1-based): chr15:84,840,483, G deleted; the last of 2 consecutive G bases (chr15:84,840,482-84,840,483); deleting either gives the same sequence. VCF-style (leftmost placement, unchanged base first): chr15-84840481-AG-A. GRCh37 (hg19) VCF-style: chr15-85383712-AG-A.
Other names: c.1204delG (NM_020778.5); short protein forms A402fs.
Identifiers: ClinVar variation 3068542 (VCV003068542.1), dbSNP rs2505706216, ClinGen allele CA2575820491.

ClinVar aggregate classification (germline): Likely pathogenic (1 of 4 stars; one submission).

Conditions:
Hypertrophic cardiomyopathy. Also called: HYPERTROPHIC MYOCARDIOPATHY. Identifiers: Orphanet 217569, MedGen C0007194, MeSH D002312, MONDO:0005045, HP:0001639.

Submission:

Molecular Genetics, Royal Melbourne Hospital
Classification: Likely pathogenic for Hypertrophic cardiomyopathy. Last evaluated: 2024-01-05. Review status: criteria provided, single submitter. Criteria: ACMG Guidelines, 2015. Collection method: clinical testing. Allele origin: germline. Inheritance: Semidominant inheritance. Affected: yes.
Comment: This sequence change in ALPK3 is a frameshift variant predicted to cause a premature stop codon, p.(Ala402Profs*14), in biologically relevant exon 5 of 14 leading to nonsense-mediated decay in a gene in which loss-of-function is an established disease mechanism (PMID: 36321451). The highest population minor allele frequency in the population database gnomAD v4.0 is 0.0004% (4/1,111,842 alleles) in the European (non-Finnish) population. To our knowledge, this variant has not been previously reported in the relevant scientific literature or databases. Based on the classification scheme RMH Modified ACMG/AMP Guidelines v1.6.1, this variant is classified as LIKELY PATHOGENIC. Following criteria are met: PVS1, PM2_Supporting

Literature cited by the submitters: PubMed 36321451.